The following is an entry in ClinVar:

ClinVar aggregate classification (germline): Benign (0 of 4 stars; one submission).

Conditions:
NRXN3-related disorder. Also called: NRXN3-related condition.

Allele frequency attached by ClinVar (database versions not stated): gnomAD exomes 0.00022; ExAC 0.00135; 1000 Genomes Project 0.00200; ESP Exome Variant Server 0.00209; 1000 Genomes Project 30x 0.00281.
gnomAD v4.1: 639 of 1,582,336 alleles (0.04%); highest among the groups gnomAD compares: African/African-American, 0.75%; 1 homozygote.

Submission:

PreventionGenetics, part of Exact Sciences
Classification: Benign for NRXN3-related condition. Last evaluated: 2022-01-31. Review status: no assertion criteria provided. Collection method: clinical testing. Allele origin: germline.
Comment: This variant is classified as benign based on ACMG/AMP sequence variant interpretation guidelines (Richards et al. 2015 PMID: 25741868, with internal and published modifications).

NM_001330195.2(NRXN3):c.792A>T (p.Ser264=)

Genes: NRXN3 (neurexin 3; plus strand), LOC132090271 (Neanderthal introgressed variant-containing enhancer experimental_36943; plus strand). Cytogenetic location: 14q24.3.
Variant type: single nucleotide variant.
Coding change: c.792A>T on transcript NM_001330195.2 (MANE Select); coding-DNA position 792, A replaced by T.
Protein change: p.Ser264=; no amino-acid change (serine 264 retained).
Molecular consequence: synonymous variant. On other transcripts: 5 prime UTR variant (1), non-coding transcript variant (4).
Genome position (GRCh38, 1-based): chr14:78,645,154, A>T. VCF-style: chr14-78645154-A-T. GRCh37 (hg19) VCF-style: chr14-79111497-A-T.
Other names: c.792A>T, p.Ser264= (NM_001366425.1); c.804A>T, p.Ser268= (NM_001366426.1); c.-328A>T (NM_004796.6).
Identifiers: ClinVar variation 3038930 (VCV003038930.2), dbSNP rs140907035, ClinGen allele CA7291481.